The following is an entry in ClinVar:

ClinVar aggregate classification (germline): Pathogenic (1 of 4 stars; one submission).

Allele frequency attached by ClinVar (database versions not stated): gnomAD exomes below 0.00001.
gnomAD v4.1: 1 of 1,613,832 alleles (0.000062%); highest among the groups gnomAD compares: Non-Finnish European, 0.000085%; no homozygotes.

Submission:

Athena Diagnostics
Classification: Pathogenic. Last evaluated: 2022-11-17. Review status: criteria provided, single submitter. Criteria: Athena Diagnostics Criteria. Collection method: clinical testing. Allele origin: unknown.
Comment: This variant is expected to severely impact normal RNA splicing, and consequently, protein structure and/or function. This variant has been identified in at least one individual with clinical features associated with autosomal recessive Schwartz-Jampel syndrome type 1 (SJS1). This variant has not been reported in large, multi-ethnic general populations.

Literature cited by the submitters: PubMed 16927315.

NM_005529.7(HSPG2):c.7874-2A>G

Gene: HSPG2 (heparan sulfate proteoglycan 2; minus strand). Cytogenetic location: 1p36.12.
Variant type: single nucleotide variant.
Coding change: c.7874-2A>G on transcript NM_005529.7 (MANE Select); the canonical splice acceptor site of the intron before coding-DNA position 7874, A replaced by G.
Molecular consequence: splice acceptor variant.
Genome position (GRCh38, 1-based): chr1:21,847,842, T>C on the plus strand (A>G on the coding strand, the complement: HSPG2 is on the minus strand). VCF-style: chr1-21847842-T-C. GRCh37 (hg19) VCF-style: chr1-22174335-T-C.
Other names: c.7877-2A>G (NM_001291860.2).
Identifiers: ClinVar variation 2684225 (VCV002684225.1), dbSNP rs931293134, ClinGen allele CA19114518.